The following is an entry in ClinVar:

ClinVar aggregate classification (germline): Uncertain significance (1 of 4 stars; one submission).

Conditions:
Combined immunodeficiency with skin granulomas. Identifiers: Orphanet 157949, MedGen C2673536, MONDO:0009306, OMIM 233650.
Severe combined immunodeficiency, autosomal recessive, T cell-negative, B cell-negative, NK cell-positive. Also called: Severe combined immunodeficiency due to complete RAG1/2 deficiency; SCID, T CELL-NEGATIVE, B CELL-NEGATIVE, NK CELL-POSITIVE; SCID, AR, T-cell negative, B-cell negative, NK cell-positive. Identifiers: Orphanet 331206, MedGen C1832322, MONDO:0011086, OMIM 601457.

Submission:

Labcorp Genetics (formerly Invitae), Labcorp
Classification: Uncertain significance for Combined immunodeficiency with skin granulomas; Severe combined immunodeficiency, autosomal recessive, T cell-negative, B cell-negative, NK cell-positive. Last evaluated: 2026-01-22. Review status: criteria provided, single submitter. Criteria: Invitae Variant Classification Sherloc (09022015). Collection method: clinical testing. Allele origin: germline.
Comment: This sequence change replaces valine, which is neutral and non-polar, with leucine, which is neutral and non-polar, at codon 641 of the RAG1 protein (p.Val641Leu). This variant is not present in population databases (gnomAD no frequency). This variant has not been reported in the literature in individuals affected with RAG1-related conditions. Invitae Evidence Modeling of protein sequence and biophysical properties (such as structural, functional, and spatial information, amino acid conservation, physicochemical variation, residue mobility, and thermodynamic stability) indicates that this missense variant is not expected to disrupt RAG1 protein function with a negative predictive value of 80%. In summary, the available evidence is currently insufficient to determine the role of this variant in disease. Therefore, it has been classified as a Variant of Uncertain Significance.

NM_000448.3(RAG1):c.1921G>T (p.Val641Leu)

Gene: RAG1 (recombination activating 1; plus strand). Cytogenetic location: 11p12.
Variant type: single nucleotide variant.
Coding change: c.1921G>T on transcript NM_000448.3 (MANE Select); coding-DNA position 1921, G replaced by T.
Protein change: p.Val641Leu; replaces valine 641 with leucine.
Molecular consequence: missense variant.
Genome position (GRCh38, 1-based): chr11:36,575,225, G>T. VCF-style: chr11-36575225-G-T. GRCh37 (hg19) VCF-style: chr11-36596775-G-T.
Other names: c.1921G>T, p.Val641Leu (NM_001377277.1, NM_001377278.1, NM_001377279.1 and 3 more transcripts); short protein forms V641L.
Identifiers: ClinVar variation 4782777 (VCV004782777.1).